The following is an entry in ClinVar:

NM_005614.4(RHEB):c.119A>T (p.Glu40Val)

Gene: RHEB (Ras homolog, mTORC1 binding; minus strand). Cytogenetic location: 7q36.1.
Variant type: single nucleotide variant.
Coding change: c.119A>T on transcript NM_005614.4 (MANE Select); coding-DNA position 119, A replaced by T.
Protein change: p.Glu40Val; replaces glutamic acid 40 with valine.
Molecular consequence: missense variant.
Genome position (GRCh38, 1-based): chr7:151,490,948, T>A on the plus strand (A>T on the coding strand, the complement: RHEB is on the minus strand). VCF-style: chr7-151490948-T-A. GRCh37 (hg19) VCF-style: chr7-151188034-T-A.
Other names: short protein forms E40V.
Identifiers: ClinVar variation 545666 (VCV000545666.5), dbSNP rs1554438588, ClinGen allele CA370052603.

ClinVar aggregate classification (germline): Likely pathogenic (1 of 4 stars; one submission).

Conditions:
Hemimegalencephaly. Also called: Unilateral Megalencephaly. Identifiers: Orphanet 99802, MedGen C0431391, MONDO:0020492, HP:0007206.

Submission:

Consultorio y Laboratorio de Neurogenética, Hospital JM Ramos Mejia
Classification: Likely pathogenic for Hemimegalencephaly. Review status: criteria provided, single submitter. Criteria: Salinas et al. (Eur J Med Genet. 2019). Collection method: research. Allele origin: somatic. Inheritance: Somatic mutation. Affected: yes.
Comment: The somatic variant c.119A> T: p.E40V in the RHEB gene has not been previously reported in public databases. We consider that this somatic variant is probably pathogenic because it is found in a highly conserved and critical residue for the tertiary structure of RHEB, therefore it could have important functional consequences (Kotyada et al., 2017). Consequences that have been confirmed in several functional models; in which, by generating hyperactivation of the RHEB protein, histopathological characteristics similar to those of cerebral cortical malformations have been observed (Sokolov et al., 2018). This is the first report of a somatic mutation in RHEB in Hemimegalencephaly and the second to report mutations in RHEB, since 2 germline mutations were recently identified in patients with impaired brain development (Reijnders et al., 2017).